The following is an entry in ClinVar:

NM_001127198.5(TMC6):c.548G>T (p.Arg183Met)

Genes: TMC6 (transmembrane channel like 6; minus strand), LOC130061786 (ATAC-STARR-seq lymphoblastoid silent region 9039; plus strand). Cytogenetic location: 17q25.3.
Variant type: single nucleotide variant.
Coding change: c.548G>T on transcript NM_001127198.5 (MANE Select); coding-DNA position 548, G replaced by T.
Protein change: p.Arg183Met; replaces arginine 183 with methionine.
Molecular consequence: missense variant. On other transcripts: non-coding transcript variant (3).
Genome position (GRCh38, 1-based): chr17:78,124,974, C>A on the plus strand (G>T on the coding strand, the complement: TMC6 is on the minus strand). VCF-style: chr17-78124974-C-A. GRCh37 (hg19) VCF-style: chr17-76121055-C-A.
Other names: c.548G>T, p.Arg183Met (NM_001321185.1, NM_001374593.1, NM_001374594.1 and 4 more transcripts); short protein forms R183M.
Identifiers: ClinVar variation 1347935 (VCV001347935.8), dbSNP rs2145361826, ClinGen allele CA401233741.
Genomic context (GRCh38, chr17:78,124,974, plus strand): 5'-CCACAGCAGGAGCAGACCCCGCCGCTGCCCGGCTGGCCCCTCCACTTCCCCCTCGGGGTC[C>A]TGCTCTTCTCTCTGGGGACAGAGGCAGCCATAGGTGCCTGGACCAATGAGGGGCCTGACT-3'
Protein context (NP_001120670.1, residues 173-193): AEKRSLREKS[Arg183Met]TPRGKWRGQP

ClinVar aggregate classification (germline): Uncertain significance (1 of 4 stars; one submission).

Conditions:
Epidermodysplasia verruciformis. Identifiers: Orphanet 302, MedGen C0014522, MONDO:0009176.

Submission:

Labcorp Genetics (formerly Invitae), Labcorp
Classification: Uncertain significance for Epidermodysplasia verruciformis. Last evaluated: 2022-10-04. Review status: criteria provided, single submitter. Criteria: Invitae Variant Classification Sherloc (09022015). Collection method: clinical testing. Allele origin: germline.
Comment: In summary, the available evidence is currently insufficient to determine the role of this variant in disease. Therefore, it has been classified as a Variant of Uncertain Significance. Algorithms developed to predict the effect of missense changes on protein structure and function are either unavailable or do not agree on the potential impact of this missense change (SIFT: "Not Available"; PolyPhen-2: "Benign"; Align-GVGD: "Not Available"). ClinVar contains an entry for this variant (Variation ID: 1347935). This variant has not been reported in the literature in individuals affected with TMC6-related conditions. This variant is not present in population databases (gnomAD no frequency). This sequence change replaces arginine, which is basic and polar, with methionine, which is neutral and non-polar, at codon 183 of the TMC6 protein (p.Arg183Met).